The following is an entry in ClinVar:

ClinVar aggregate classification (germline): Likely benign (1 of 4 stars; one submission).

Allele frequency attached by ClinVar (database versions not stated): ESP Exome Variant Server 0.00031; 1000 Genomes Project 30x 0.00172; 1000 Genomes Project 0.00220; gnomAD 0.00352; ExAC 0.00508.

Submission:

CeGaT Center for Human Genetics Tuebingen
Classification: Likely benign. Last evaluated: 2022-12-01. Review status: criteria provided, single submitter. Criteria: CeGaT Center For Human Genetics Tuebingen Variant Classification Criteria Version 2. Collection method: clinical testing. Allele origin: germline. Affected: yes. Observed: 1 variant allele.
Comment: SLIT3: BP4, BP7

NM_003062.4(SLIT3):c.2559G>A (p.Ala853=)

Genes: SLIT3 (slit guidance ligand 3; minus strand), SLIT3-AS2 (SLIT3 antisense RNA 2; plus strand). Cytogenetic location: 5q34.
Variant type: single nucleotide variant.
Coding change: c.2559G>A on transcript NM_003062.4 (MANE Select); coding-DNA position 2559, G replaced by A.
Protein change: p.Ala853=; no amino-acid change (alanine 853 retained).
Molecular consequence: synonymous variant.
Genome position (GRCh38, 1-based): chr5:168,711,055, C>T on the plus strand (G>A on the coding strand, the complement: SLIT3 is on the minus strand). VCF-style: chr5-168711055-C-T. GRCh37 (hg19) VCF-style: chr5-168138060-C-T.
Other names: c.2559G>A, p.Ala853= (NM_001271946.2).
Identifiers: ClinVar variation 2656055 (VCV002656055.24), dbSNP rs141936653, ClinGen allele CA3551209.